The following is an entry in ClinVar:

ClinVar aggregate classification (germline): Uncertain significance (1 of 4 stars; one submission).

Conditions:
Early-infantile DEE. Also called: Ohtahara syndrome; Early infantile epileptic encephalopathy with suppression bursts; Early infantile epileptic encephalopathy. Identifiers: Orphanet 1934, MedGen C0393706, MONDO:0800491.

gnomAD v4.1: 3 of 1,612,922 alleles (0.00019%); highest among the groups gnomAD compares: South Asian, 0.0022%; no homozygotes.

Submission:

Labcorp Genetics (formerly Invitae), Labcorp
Classification: Uncertain significance for Early-infantile DEE. Last evaluated: 2024-02-17. Review status: criteria provided, single submitter. Criteria: Invitae Variant Classification Sherloc (09022015). Collection method: clinical testing. Allele origin: germline.
Comment: This sequence change replaces arginine, which is basic and polar, with glycine, which is neutral and non-polar, at codon 594 of the CACNA2D2 protein (p.Arg594Gly). This variant is present in population databases (rs755251875, gnomAD 0.003%). This variant has not been reported in the literature in individuals affected with CACNA2D2-related conditions. ClinVar contains an entry for this variant (Variation ID: 2087021). An algorithm developed to predict the effect of missense changes on protein structure and function (PolyPhen-2) suggests that this variant is likely to be disruptive. In summary, the available evidence is currently insufficient to determine the role of this variant in disease. Therefore, it has been classified as a Variant of Uncertain Significance.

NM_006030.4(CACNA2D2):c.1780C>G (p.Arg594Gly)

Gene: CACNA2D2 (calcium voltage-gated channel auxiliary subunit alpha2delta 2; minus strand). Cytogenetic location: 3p21.31.
Variant type: single nucleotide variant.
Coding change: c.1780C>G on transcript NM_006030.4 (MANE Select); coding-DNA position 1780, C replaced by G.
Protein change: p.Arg594Gly; replaces arginine 594 with glycine.
Molecular consequence: missense variant.
Genome position (GRCh38, 1-based): chr3:50,375,874, G>C on the plus strand (C>G on the coding strand, the complement: CACNA2D2 is on the minus strand). VCF-style: chr3-50375874-G-C. GRCh37 (hg19) VCF-style: chr3-50413305-G-C.
Other names: c.1780C>G, p.Arg594Gly (NM_001005505.3, NM_001174051.3, NM_001410768.1); c.1573C>G, p.Arg525Gly (NM_001291101.1); short protein forms R594G, R525G.
Identifiers: ClinVar variation 2087021 (VCV002087021.4), dbSNP rs755251875, ClinGen allele CA2418731.
Genomic context (GRCh38, chr3:50,375,874, plus strand): 5'-CCAGGGACTTGACCAACGTTCTGATCTGCTTGTGGCCCTTGTTGCCATCAATCATGCTCC[G>C]ACGGATCTGGAAGGGCCAGAGATGTGAGGGGCAGGGCCCCTACACTCCTCTGCTCTGTCC-3'
Protein context (NP_006021.2, residues 584-604): LEDENKEEIR[Arg594Gly]SMIDGNKGHK